The following is an entry in ClinVar:

NM_000834.5(GRIN2B):c.1125+20A>G

Gene: GRIN2B (glutamate ionotropic receptor NMDA type subunit 2B; minus strand). Cytogenetic location: 12p13.1.
Variant type: single nucleotide variant.
Coding change: c.1125+20A>G on transcript NM_000834.5 (MANE Select); 20 bases into the intron after coding-DNA position 1125, A replaced by G.
Molecular consequence: intron variant.
Genome position (GRCh38, 1-based): chr12:13,675,725, T>C on the plus strand (A>G on the coding strand, the complement: GRIN2B is on the minus strand). VCF-style: chr12-13675725-T-C. GRCh37 (hg19) VCF-style: chr12-13828659-T-C.
Identifiers: ClinVar variation 137516 (VCV000137516.12), dbSNP rs11055581, ClinGen allele CA291129.

ClinVar aggregate classification (germline): Benign. Review status: criteria provided, multiple submitters, no conflicts (2 of 4 stars). 4 submissions from 4 submitters: Benign (4). Last evaluated 2026-02-03.

Conditions:
Intellectual developmental disorder, autosomal dominant 6, with or without seizures. Also called: Intellectual disability, autosomal dominant 6; GRIN2B-related developmental delay, intellectual disability and autism spectrum disorder. Identifiers: Orphanet 589547, MedGen C3151411, MONDO:0013509, OMIM 613970.
Developmental and epileptic encephalopathy, 27 (DEE27). Also called: Epileptic encephalopathy, early infantile, 27; GRIN2B-Related Neurodevelopmental Disorder. Identifiers: Orphanet 3451, MedGen C4015316, MONDO:0014505, OMIM 616139.

Allele frequency attached by ClinVar (database versions not stated): 1000 Genomes Project 0.10383; 1000 Genomes Project 30x 0.10603; gnomAD 0.14680 and 0.14832; TOPMed 0.14698; ESP Exome Variant Server 0.15493; gnomAD exomes 0.15762 and 0.18481; ExAC 0.15766.
gnomAD v4.1: 253,495 of 1,404,056 alleles (18%); highest among the groups gnomAD compares: Middle Eastern, 25%; 25,380 homozygotes.

Submissions (4):

Labcorp Genetics (formerly Invitae), Labcorp
Classification: Benign for Developmental and epileptic encephalopathy, 27; Intellectual developmental disorder, autosomal dominant 6, with or without seizures. Last evaluated: 2026-02-03. Review status: criteria provided, single submitter. Criteria: Invitae Variant Classification Sherloc (09022015). Collection method: clinical testing. Allele origin: germline.

Unidad de Genómica Garrahan, Hospital de Pediatría Garrahan
Classification: Benign. Last evaluated: 2024-07-15. Review status: criteria provided, single submitter. Criteria: ACMG Guidelines, 2015. Collection method: clinical testing. Allele origin: germline. Affected: no. Observed: 29 variant alleles.
Comment: This variant is classified as Benign based on local population frequency. This variant was detected in 31% of patients studied in a panel designed for Epileptic and Developmental Encephalopathy and Progressive Myoclonus Epilepsy. Number of patients: 29. Only high quality variants are reported.

GeneDx
Classification: Benign. Last evaluated: 2013-10-11. Review status: criteria provided, single submitter. Criteria: GeneDx Variant Classification (06012015). Collection method: clinical testing. Allele origin: germline. Affected: yes.
Comment: This variant is considered likely benign or benign based on one or more of the following criteria: it is a conservative change, it occurs at a poorly conserved position in the protein, it is predicted to be benign by multiple in silico algorithms, and/or has population frequency not consistent with disease.

Breakthrough Genomics
Classification: Benign. Review status: criteria provided, single submitter. Criteria: ACMG Guidelines, 2015. Collection method: not provided. Allele origin: germline. Inheritance: Autosomal dominant inheritance. Affected: yes.